The following is an entry in ClinVar:

ClinVar aggregate classification (germline): Uncertain significance (1 of 4 stars; one submission).

Submission:

Ambry Genetics
Classification: Uncertain significance. Last evaluated: 2025-10-01. Review status: criteria provided, single submitter. Criteria: Ambry Variant Classification Scheme 2023. Collection method: clinical testing. Allele origin: germline.
Comment: The p.A130G variant (also known as c.389C>G), located in coding exon 4 of the RINT1 gene, results from a C to G substitution at nucleotide position 389. The alanine at codon 130 is replaced by glycine, an amino acid with similar properties. This amino acid position is conserved. In addition, this alteration is predicted to be tolerated by in silico analysis. Based on the available evidence, the clinical significance of this variant remains unclear.

NM_021930.6(RINT1):c.389C>G (p.Ala130Gly)

Gene: RINT1 (RAD50 interactor 1; plus strand). Cytogenetic location: 7q22.3.
Variant type: single nucleotide variant.
Coding change: c.389C>G on transcript NM_021930.6 (MANE Select); coding-DNA position 389, C replaced by G.
Protein change: p.Ala130Gly; replaces alanine 130 with glycine.
Molecular consequence: missense variant. On other transcripts: 5 prime UTR variant (3), non-coding transcript variant (1).
Genome position (GRCh38, 1-based): chr7:105,542,523, C>G. VCF-style: chr7-105542523-C-G. GRCh37 (hg19) VCF-style: chr7-105182970-C-G.
Other names: c.155C>G, p.Ala52Gly (NM_001346599.2); c.-631C>G (NM_001346600.2); c.-534C>G (NM_001346601.2); c.-154C>G (NM_001346603.2); short protein forms A130G, A52G.
Identifiers: ClinVar variation 4578203 (VCV004578203.1).